The following is an entry in ClinVar:

NM_006371.5(CRTAP):c.636A>C (p.Arg212=)

Gene: CRTAP (cartilage associated protein; plus strand). Cytogenetic location: 3p22.3.
Variant type: single nucleotide variant.
Coding change: c.636A>C on transcript NM_006371.5 (MANE Select); coding-DNA position 636, A replaced by C.
Protein change: p.Arg212=; no amino-acid change (arginine 212 retained).
Molecular consequence: synonymous variant.
Genome position (GRCh38, 1-based): chr3:33,124,422, A>C. VCF-style: chr3-33124422-A-C. GRCh37 (hg19) VCF-style: chr3-33165914-A-C.
Other names: c.636A>C, p.Arg212= (NM_001393363.1, NM_001393364.1); c.486A>C, p.Arg162= (NM_001393365.1).
Identifiers: ClinVar variation 390195 (VCV000390195.8), dbSNP rs749259974, ClinGen allele CA2300345.

ClinVar aggregate classification (germline): Likely benign. Review status: criteria provided, multiple submitters, no conflicts (2 of 4 stars). 3 submissions from 3 submitters: Likely benign (3). Last evaluated 2025-08-08.

Conditions:
Osteogenesis imperfecta type 7 (OI7). Also called: OI type 7; OI type VII; OSTEOGENESIS IMPERFECTA, TYPE IIB; Osteogenesis imperfecta type 2B; OI type 2B; Osteogenesis imperfecta, perinatal lethal autosomal recessive. Identifiers: MedGen C1853162, MONDO:0012536, OMIM 610682.

Allele frequency attached by ClinVar (database versions not stated): ExAC 0.00001; gnomAD 0.00002; gnomAD exomes 0.00002; TOPMed 0.00002.
gnomAD v4.1: 37 of 1,613,994 alleles (0.0023%); highest among the groups gnomAD compares: Non-Finnish European, 0.0031%; 1 homozygote.

Submissions (3):

Labcorp Genetics (formerly Invitae), Labcorp
Classification: Likely benign for Osteogenesis imperfecta type 7. Last evaluated: 2025-08-08. Review status: criteria provided, single submitter. Criteria: Invitae Variant Classification Sherloc (09022015). Collection method: clinical testing. Allele origin: germline.

Blueprint Genetics
Classification: Likely benign. Last evaluated: 2024-09-21. Review status: criteria provided, single submitter. Criteria: ACMG Guidelines, 2015. Collection method: clinical testing. Allele origin: germline.

GeneDx
Classification: Likely benign. Last evaluated: 2016-10-17. Review status: criteria provided, single submitter. Criteria: GeneDx Variant Classification (06012015). Collection method: clinical testing. Allele origin: germline. Affected: yes.
Comment: This variant is considered likely benign or benign based on one or more of the following criteria: it is a conservative change, it occurs at a poorly conserved position in the protein, it is predicted to be benign by multiple in silico algorithms, and/or has population frequency not consistent with disease.